The following is an entry in ClinVar:

ClinVar aggregate classification (germline): Uncertain significance (1 of 4 stars; one submission).

Allele frequency attached by ClinVar (database versions not stated): gnomAD exomes 0.00001; ExAC 0.00002.
gnomAD v4.1: 19 of 1,613,304 alleles (0.0012%); highest among the groups gnomAD compares: South Asian, 0.013%; no homozygotes.

Submission:

Labcorp Genetics (formerly Invitae), Labcorp
Classification: Uncertain significance. Last evaluated: 2022-06-08. Review status: criteria provided, single submitter. Criteria: Invitae Variant Classification Sherloc (09022015). Collection method: clinical testing. Allele origin: germline.
Comment: In summary, the available evidence is currently insufficient to determine the role of this variant in disease. Therefore, it has been classified as a Variant of Uncertain Significance. Algorithms developed to predict the effect of missense changes on protein structure and function are either unavailable or do not agree on the potential impact of this missense change (SIFT: "Not Available"; PolyPhen-2: "Probably Damaging"; Align-GVGD: "Not Available"). This variant has not been reported in the literature in individuals affected with COLGALT1-related conditions. This variant is present in population databases (rs774477102, gnomAD 0.01%). This sequence change replaces arginine, which is basic and polar, with histidine, which is basic and polar, at codon 447 of the COLGALT1 protein (p.Arg447His).

NM_024656.4(COLGALT1):c.1340G>A (p.Arg447His)

Gene: COLGALT1 (collagen beta(1-O)galactosyltransferase 1; plus strand). Cytogenetic location: 19p13.11.
Variant type: single nucleotide variant.
Coding change: c.1340G>A on transcript NM_024656.4 (MANE Select); coding-DNA position 1340, G replaced by A.
Protein change: p.Arg447His; replaces arginine 447 with histidine.
Molecular consequence: missense variant.
Genome position (GRCh38, 1-based): chr19:17,579,555, G>A. VCF-style: chr19-17579555-G-A. GRCh37 (hg19) VCF-style: chr19-17690364-G-A.
Other names: short protein forms R447H.
Identifiers: ClinVar variation 2067654 (VCV002067654.4), dbSNP rs774477102, ClinGen allele CA9297267.